The following is an entry in ClinVar:

NM_001330700.2(TOP2B):c.2862+1G>T

Gene: TOP2B (DNA topoisomerase II beta; minus strand). Cytogenetic location: 3p24.2.
Variant type: single nucleotide variant.
Coding change: c.2862+1G>T on transcript NM_001330700.2 (MANE Select); the canonical splice donor site of the intron after coding-DNA position 2862, G replaced by T.
Molecular consequence: splice donor variant.
Genome position (GRCh38, 1-based): chr3:25,620,681, C>A on the plus strand (G>T on the coding strand, the complement: TOP2B is on the minus strand). VCF-style: chr3-25620681-C-A. GRCh37 (hg19) VCF-style: chr3-25662172-C-A.
Other names: c.2847+1G>T (NM_001068.3).
Identifiers: ClinVar variation 3729742 (VCV003729742.4).
Genomic context (GRCh38, chr3:25,620,681, plus strand): 5'-ACCAGAAAAAATTGCTTAATACACTGCCCTTCCCTCAGGCAGATCACATATTTACACTGA[C>A]CTGTGTCCAAGTTCTAACTGGAAGCTCTGTAATTTCTACTGTGTTTCTGTCCACTACAAA-3'

ClinVar aggregate classification (germline): Uncertain significance (1 of 4 stars; one submission).

Submissions (2):

Labcorp Genetics (formerly Invitae), Labcorp
Classification: Uncertain significance. Last evaluated: 2025-01-29. Review status: criteria provided, single submitter. Criteria: Invitae Variant Classification Sherloc (09022015). Collection method: clinical testing. Allele origin: germline.
Comment: This sequence change affects a donor splice site in intron 22 of the TOP2B gene. It is expected to disrupt RNA splicing. Variants that disrupt the donor or acceptor splice site typically lead to a loss of protein function (PMID: 16199547), however the current clinical and genetic evidence is not sufficient to establish whether loss-of-function variants in TOP2B cause disease. This variant is not present in population databases (gnomAD no frequency). This variant has not been reported in the literature in individuals affected with TOP2B-related conditions. Algorithms developed to predict the effect of sequence changes on RNA splicing suggest that this variant may disrupt the consensus splice site. In summary, the available evidence is currently insufficient to determine the role of this variant in disease. Therefore, it has been classified as a Variant of Uncertain Significance.

Dr. Peter K. Rogan Lab, Western University
No classification provided (evidence only). Condition: Thyroid cancer, nonmedullary, 1. Review status: no classification provided. Collection method: in vitro. Allele origin: not applicable. Functional consequence: retained intron. Not counted in ClinVar's aggregate classification.

Literature cited by the submitters: PubMed 16199547 (cited by Labcorp Genetics (formerly Invitae), Labcorp).